The following is an entry in ClinVar:

ClinVar aggregate classification (germline): Conflicting classifications of pathogenicity. Review status: criteria provided, conflicting classifications (1 of 4 stars). 4 submissions from 4 submitters: Uncertain significance (3); Likely benign (1). Last evaluated 2024-06-22.

Conditions:
Charcot-Marie-Tooth disease type 2. Also called: Charcot-Marie-Tooth type 2. Identifiers: Orphanet 64746, MedGen C0270914, MONDO:0018993.
Charcot-Marie-Tooth disease type 2A1. Also called: CHARCOT-MARIE-TOOTH NEUROPATHY, TYPE 2A1; HEREDITARY MOTOR AND SENSORY NEUROPATHY IIA1; CHARCOT-MARIE-TOOTH DISEASE, AXONAL, TYPE 2A1; CHARCOT-MARIE-TOOTH DISEASE, AXONAL, AUTOSOMAL DOMINANT, TYPE 2A1; CHARCOT-MARIE-TOOTH DISEASE, NEURONAL, TYPE 2A1. Identifiers: Orphanet 99946, MedGen C1861678, MONDO:0007308, OMIM 118210.
Pheochromocytoma. Also called: MAX-Related Hereditary Paraganglioma-Pheochromocytoma Syndrome. Identifiers: Orphanet 29072, MedGen C0031511, MONDO:0008233, OMIM 171300, HP:0002666.

Allele frequency attached by ClinVar (database versions not stated): TOPMed 0.00002; ExAC 0.00002; gnomAD exomes 0.00003 and 0.00002.
gnomAD v4.1: 13 of 1,614,160 alleles (0.00081%); highest among the groups gnomAD compares: Admixed American, 0.022%; no homozygotes.

Submissions (4):

Ambry Genetics
Classification: Likely benign. Last evaluated: 2024-06-22. Review status: criteria provided, single submitter. Criteria: Ambry Variant Classification Scheme 2023. Collection method: clinical testing. Allele origin: germline.

Labcorp Genetics (formerly Invitae), Labcorp
Classification: Uncertain significance for Charcot-Marie-Tooth disease type 2. Last evaluated: 2023-06-11. Review status: criteria provided, single submitter. Criteria: Invitae Variant Classification Sherloc (09022015). Collection method: clinical testing. Allele origin: germline.
Comment: This sequence change replaces serine, which is neutral and polar, with glycine, which is neutral and non-polar, at codon 1689 of the KIF1B protein (p.Ser1689Gly). This variant is present in population databases (rs775692548, gnomAD 0.02%). This variant has not been reported in the literature in individuals affected with KIF1B-related conditions. ClinVar contains an entry for this variant (Variation ID: 855407). An algorithm developed to predict the effect of missense changes on protein structure and function (PolyPhen-2) suggests that this variant is likely to be tolerated. Algorithms developed to predict the effect of sequence changes on RNA splicing suggest that this variant may disrupt the consensus splice site. In summary, the available evidence is currently insufficient to determine the role of this variant in disease. Therefore, it has been classified as a Variant of Uncertain Significance.

St. Jude Molecular Pathology, St. Jude Children's Research Hospital
Classification: Uncertain significance for Pheochromocytoma. Last evaluated: 2023-02-27. Review status: criteria provided, single submitter. Criteria: St. Jude Assertion Criteria 2020. Collection method: clinical testing. Allele origin: germline.
Comment: The KIF1B c.5065A>G (p.Ser1689Gly) missense change has a maximum subpopulation frequency of 0.017% in gnomAD v2.1.1. The in silico tool REVEL predicts a benign effect on protein function, but to our knowledge this prediction has not been confirmed by functional studies. To our knowledge, this variant has not been reported in individuals with pheochromocytoma or neuroblastoma. In summary, the evidence currently available is insufficient to determine the clinical significance of this variant. It has therefore been classified as of uncertain significance.

Revvity Omics, Revvity
Classification: Uncertain significance for Charcot-Marie-Tooth disease type 2A1. Last evaluated: 2019-05-21. Review status: criteria provided, single submitter. Criteria: ACMG Guidelines, 2015. Collection method: clinical testing. Allele origin: germline.

NM_001365951.3(KIF1B):c.5203A>G (p.Ser1735Gly)

Gene: KIF1B (kinesin family member 1B; plus strand). Cytogenetic location: 1p36.22.
Variant type: single nucleotide variant.
Coding change: c.5203A>G on transcript NM_001365951.3 (MANE Select); coding-DNA position 5203, A replaced by G.
Protein change: p.Ser1735Gly; replaces serine 1735 with glycine.
Molecular consequence: missense variant.
Genome position (GRCh38, 1-based): chr1:10,374,960, A>G. VCF-style: chr1-10374960-A-G. GRCh37 (hg19) VCF-style: chr1-10435018-A-G.
Other names: c.5203A>G, p.Ser1735Gly (NM_001365952.1); c.5065A>G, p.Ser1689Gly (NM_015074.3); short protein forms S1689G, S1735G.
Identifiers: ClinVar variation 855407 (VCV000855407.14), dbSNP rs775692548, ClinGen allele CA582287.